The following is an entry in ClinVar:

NM_000744.7(CHRNA4):c.400G>A (p.Ala134Thr)

Gene: CHRNA4 (cholinergic receptor nicotinic alpha 4 subunit; minus strand). Cytogenetic location: 20q13.33.
Variant type: single nucleotide variant.
Coding change: c.400G>A on transcript NM_000744.7 (MANE Select); coding-DNA position 400, G replaced by A.
Protein change: p.Ala134Thr; replaces alanine 134 with threonine.
Molecular consequence: missense variant. On other transcripts: 5 prime UTR variant (1), non-coding transcript variant (1).
Genome position (GRCh38, 1-based): chr20:63,351,011, C>T on the plus strand (G>A on the coding strand, the complement: CHRNA4 is on the minus strand). VCF-style: chr20-63351011-C-T. GRCh37 (hg19) VCF-style: chr20-61982363-C-T.
Other names: p.A134T:GCG>ACG; c.-129G>A (NM_001256573.2); short protein forms A134T.
Identifiers: ClinVar variation 205049 (VCV000205049.10), dbSNP rs796052321, ClinGen allele CA313615.

ClinVar aggregate classification (germline): Uncertain significance. Review status: criteria provided, multiple submitters, no conflicts (2 of 4 stars). 2 submissions from 2 submitters: Uncertain significance (2). Last evaluated 2022-08-09.

Conditions:
Familial sleep-related hypermotor epilepsy. Also called: Autosomal Dominant Sleep-Related Hypermotor (Hyperkinetic) Epilepsy. Identifiers: Orphanet 98784, MedGen C3696898, MONDO:0000030.

Allele frequency attached by ClinVar (database versions not stated): gnomAD 0.00001; TOPMed below 0.00001.
gnomAD v4.1: 4 of 1,612,836 alleles (0.00025%); highest among the groups gnomAD compares: South Asian, 0.0011%; no homozygotes.

Submissions (2):

Labcorp Genetics (formerly Invitae), Labcorp
Classification: Uncertain significance. Last evaluated: 2022-08-09. Review status: criteria provided, single submitter. Criteria: Invitae Variant Classification Sherloc (09022015). Collection method: clinical testing. Allele origin: germline.
Comment: This sequence change replaces alanine, which is neutral and non-polar, with threonine, which is neutral and polar, at codon 134 of the CHRNA4 protein (p.Ala134Thr). In summary, the available evidence is currently insufficient to determine the role of this variant in disease. Therefore, it has been classified as a Variant of Uncertain Significance. Algorithms developed to predict the effect of missense changes on protein structure and function output the following: SIFT: "Tolerated"; PolyPhen-2: "Benign"; Align-GVGD: "Class C0". The threonine amino acid residue is found in multiple mammalian species, which suggests that this missense change does not adversely affect protein function. ClinVar contains an entry for this variant (Variation ID: 205049). This variant has not been reported in the literature in individuals affected with CHRNA4-related conditions. This variant is not present in population databases (gnomAD no frequency).

GeneDx
Classification: Uncertain significance. Last evaluated: 2014-10-06. Review status: criteria provided, single submitter. Criteria: GeneDx Variant Classification (06012015). Collection method: clinical testing. Allele origin: germline. Affected: yes.
Comment: p.Ala134Thr (GCG>ACG): c.400 G>A in exon 5 of the CHRNA4 gene (NM_000744.5) The A134T variant has not been published as a mutation, nor has it been reported as a benign polymorphism to our knowledge. It was not observed in approximately 6,500 individuals of European and African American ancestry in the NHLBI Exome Sequencing Project, indicating it is not a common benign variant in these populations. The A134T variant is a non-conservative amino acid substitution, which is likely to impact secondary protein structure as these residues differ in polarity, charge, size and/or other properties. In silico analysis predicts this variant is probably damaging to the protein structure/function. This substitution occurs at a position that is conserved across species; however, Threonine has been observed at this position in two species in evolution. Additionally, this amino acid substitution does not occur within the transmembrane region of the protein, where the vast majority of pathogenic missense mutations have been identified in association with epilepsy (Steinlein and Bertrand, 2010). Therefore, based on the currently available information, it is unclear whether this variant is a pathogenic mutation or a rare benign variant.The variant is found in EPILEPSY panel(s).